The following is an entry in ClinVar:

NM_000384.3(APOB):c.122-15T>A

Genes: APOB (apolipoprotein B; minus strand), LOC106560211 (APOB 5' regulatory region; plus strand). Cytogenetic location: 2p24.1.
Variant type: single nucleotide variant.
Coding change: c.122-15T>A on transcript NM_000384.3 (MANE Select); 15 bases into the intron before coding-DNA position 122, T replaced by A.
Molecular consequence: intron variant.
Genome position (GRCh38, 1-based): chr2:21,042,491, A>T on the plus strand (T>A on the coding strand, the complement: APOB is on the minus strand). VCF-style: chr2-21042491-A-T. GRCh37 (hg19) VCF-style: chr2-21265363-A-T.
Identifiers: ClinVar variation 3758876 (VCV003758876.2).
Genomic context (GRCh38, chr2:21,042,491, plus strand): 5'-TAGTTGTATGTGTACTTCCGGAGGTGCTTGAATCGGGTCGCATCTTCTAACGTGGGGAGA[A>T]ATACGTCAGCCACATAGCAGAAATAGCTCTCCCAAGGACAGCCAATTCTGGGCAGAGAGG-3'

ClinVar aggregate classification (germline): Uncertain significance (1 of 4 stars; one submission).

Conditions:
Familial hypobetalipoproteinemia 1. Also called: APOB-Related Familial Hypobetalipoproteinemia; Hypobetalipoproteinemia, normotriglyceridemic; Acanthocytosis with hypobetalipoproteinemia. Identifiers: MedGen C4551990, MONDO:0014252, OMIM 615558.
Hypercholesterolemia, autosomal dominant, type B (FHCL2). Also called: Familial Hypercholesterolemia Type B; APOLIPOPROTEIN B-100, FAMILIAL DEFECTIVE; APOLIPOPROTEIN B-100, FAMILIAL LIGAND-DEFECTIVE; HYPERCHOLESTEROLEMIA, FAMILIAL, DUE TO LIGAND-DEFECTIVE APOLIPOPROTEIN B; Hyperlipoproteinemia Type IIb; Familial hypercholesterolemia 2. Identifiers: MedGen C1704417, MONDO:0007751, OMIM 144010.

Submission:

Labcorp Genetics (formerly Invitae), Labcorp
Classification: Uncertain significance for Familial hypobetalipoproteinemia 1; Hypercholesterolemia, autosomal dominant, type B. Last evaluated: 2024-10-02. Review status: criteria provided, single submitter. Criteria: Invitae Variant Classification Sherloc (09022015). Collection method: clinical testing. Allele origin: germline.
Comment: This sequence change falls in intron 2 of the APOB gene. It does not directly change the encoded amino acid sequence of the APOB protein. This variant is not present in population databases (gnomAD no frequency). This variant has not been reported in the literature in individuals affected with APOB-related conditions. Algorithms developed to predict the effect of sequence changes on RNA splicing suggest that this variant may disrupt the consensus splice site. In summary, the available evidence is currently insufficient to determine the role of this variant in disease. Therefore, it has been classified as a Variant of Uncertain Significance.